The following is an entry in ClinVar:

NM_001372.4(DNAH9):c.11033C>G (p.Ala3678Gly)

Gene: DNAH9 (dynein axonemal heavy chain 9; plus strand). Cytogenetic location: 17p12.
Variant type: single nucleotide variant.
Coding change: c.11033C>G on transcript NM_001372.4 (MANE Select); coding-DNA position 11033, C replaced by G.
Protein change: p.Ala3678Gly; replaces alanine 3678 with glycine.
Molecular consequence: missense variant. On other transcripts: 5 prime UTR variant (1).
Genome position (GRCh38, 1-based): chr17:11,886,886, C>G. VCF-style: chr17-11886886-C-G. GRCh37 (hg19) VCF-style: chr17-11790203-C-G.
Other names: c.-32C>G (NM_004662.2); short protein forms A3678G.
Identifiers: ClinVar variation 2003237 (VCV002003237.4), dbSNP rs760050053, ClinGen allele CA8397714.
Genomic context (GRCh38, chr17:11,886,886, plus strand): 5'-TCCAGGAGGCCAAGGTGACTGAAGTGAAAATCAACGAGGCCCGAGAGCACTACCGGCCAG[C>G]AGCTGCCAGGGCCTCACTGCTCTACTTCATCATGAACGACCTCAGCAAGATCCATCCAAT-3'
Protein context (NP_001363.2, residues 3668-3688): INEAREHYRP[Ala3678Gly]AARASLLYFI

ClinVar aggregate classification (germline): Uncertain significance (1 of 4 stars; one submission).

gnomAD v4.1: 7 of 1,612,986 alleles (0.00043%); highest among the groups gnomAD compares: Non-Finnish European, 0.00059%; no homozygotes.

Submission:

Labcorp Genetics (formerly Invitae), Labcorp
Classification: Uncertain significance. Last evaluated: 2022-06-08. Review status: criteria provided, single submitter. Criteria: Invitae Variant Classification Sherloc (09022015). Collection method: clinical testing. Allele origin: germline.
Comment: This variant is present in population databases (rs760050053, gnomAD 0.0009%). In summary, the available evidence is currently insufficient to determine the role of this variant in disease. Therefore, it has been classified as a Variant of Uncertain Significance. Algorithms developed to predict the effect of missense changes on protein structure and function are either unavailable or do not agree on the potential impact of this missense change (SIFT: "Deleterious"; PolyPhen-2: "Benign"; Align-GVGD: "Class C0"). This variant has not been reported in the literature in individuals affected with DNAH9-related conditions. This sequence change replaces alanine, which is neutral and non-polar, with glycine, which is neutral and non-polar, at codon 3678 of the DNAH9 protein (p.Ala3678Gly).